The following is an entry in ClinVar:

NM_015681.6(B9D1):c.602G>A (p.Ser201Asn)

Gene: B9D1 (B9 domain containing 1; minus strand). Cytogenetic location: 17p11.2.
Variant type: single nucleotide variant.
Coding change: c.602G>A on transcript NM_015681.6 (MANE Select); coding-DNA position 602, G replaced by A.
Protein change: p.Ser201Asn; replaces serine 201 with asparagine.
Molecular consequence: missense variant. On other transcripts: 3 prime UTR variant (2), intron variant (4).
Genome position (GRCh38, 1-based): chr17:19,343,332, C>T on the plus strand (G>A on the coding strand, the complement: B9D1 is on the minus strand). VCF-style: chr17-19343332-C-T. GRCh37 (hg19) VCF-style: chr17-19246645-C-T.
Other names: c.*127G>A (NM_001321214.2); c.*378G>A (NM_001321215.3); c.112+458G>A (NM_001368769.2); c.404+3937G>A (NM_001321219.2); c.472+458G>A (NM_001321218.2, NM_001321217.2); c.602G>A (NM_015681.3); short protein forms S201N.
Identifiers: ClinVar variation 1406984 (VCV001406984.9), dbSNP rs1310730602, ClinGen allele CA398692194.
Genomic context (GRCh38, chr17:19,343,332, plus strand): 5'-GGGAAGGCAGCCCTTCATTATCAGAGACTGTGCAGCCTGTGGAGCCTTCACTGGGGGAAG[C>T]TCTGGGGTGGGCTGGGCCCCAACACACCCTGTGTATCAGAAGGCCCAGTGTCATAGCCCA-3'
Protein context (NP_056496.1, residues 191-204): QGVLGPSPPQ[Ser201Asn]FPQ

ClinVar aggregate classification (germline): Uncertain significance. Review status: criteria provided, multiple submitters, no conflicts (2 of 4 stars). 2 submissions from 2 submitters: Uncertain significance (2). Last evaluated 2022-04-12.

Conditions:
Inborn genetic diseases. Identifiers: MedGen C0950123, MeSH D030342.
Joubert syndrome. Also called: CEREBELLOPARENCHYMAL DISORDER IV; JOUBERT-BOLTSHAUSER SYNDROME; Familial aplasia of the vermis. Identifiers: Orphanet 475, MedGen C5979921, MONDO:0018772.
Meckel-Gruber syndrome. Also called: DYSENCEPHALIA SPLANCHNOCYSTICA; GRUBER SYNDROME; Dysencephalia splachnocystica. Identifiers: Orphanet 564, MedGen C0265215, MONDO:0018921.

Allele frequency attached by ClinVar (database versions not stated): gnomAD exomes below 0.00001; TOPMed below 0.00001.

Submissions (2):

Ambry Genetics
Classification: Uncertain significance for Inborn genetic diseases. Last evaluated: 2022-04-12. Review status: criteria provided, single submitter. Criteria: Ambry Variant Classification Scheme 2023. Collection method: clinical testing. Allele origin: germline.

Labcorp Genetics (formerly Invitae), Labcorp
Classification: Uncertain significance for Joubert syndrome; Meckel-Gruber syndrome. Last evaluated: 2021-02-26. Review status: criteria provided, single submitter. Criteria: Invitae Variant Classification Sherloc (09022015). Collection method: clinical testing. Allele origin: germline.
Comment: This sequence change replaces serine with asparagine at codon 201 of the B9D1 protein (p.Ser201Asn). The serine residue is weakly conserved and there is a small physicochemical difference between serine and asparagine. This variant is not present in population databases (ExAC no frequency). This variant has not been reported in the literature in individuals with B9D1-related conditions. Algorithms developed to predict the effect of missense changes on protein structure and function output the following: SIFT: "Tolerated"; PolyPhen-2: "Benign"; Align-GVGD: "Class C0". The asparagine amino acid residue is found in multiple mammalian species, suggesting that this missense change does not adversely affect protein function. These predictions have not been confirmed by published functional studies and their clinical significance is uncertain. In summary, the available evidence is currently insufficient to determine the role of this variant in disease. Therefore, it has been classified as a Variant of Uncertain Significance.